The following is an entry in ClinVar:

ClinVar aggregate classification (germline): Uncertain significance (1 of 4 stars; one submission).

gnomAD v4.1: 21 of 1,614,002 alleles (0.0013%); highest among the groups gnomAD compares: Non-Finnish European, 0.0011%; no homozygotes.

Submission:

Labcorp Genetics (formerly Invitae), Labcorp
Classification: Uncertain significance. Last evaluated: 2026-01-04. Review status: criteria provided, single submitter. Criteria: Invitae Variant Classification Sherloc (09022015). Collection method: clinical testing. Allele origin: germline.
Comment: This sequence change replaces histidine, which is basic and polar, with asparagine, which is neutral and polar, at codon 470 of the PCK2 protein (p.His470Asn). This variant is present in population databases (rs755368856, gnomAD 0.01%). This variant has not been reported in the literature in individuals affected with PCK2-related conditions. Invitae Evidence Modeling of protein sequence and biophysical properties (such as structural, functional, and spatial information, amino acid conservation, physicochemical variation, residue mobility, and thermodynamic stability) has been performed for this missense variant. However, the output from this modeling did not meet the statistical confidence thresholds required to predict the impact of this variant on PCK2 protein function. In summary, the available evidence is currently insufficient to determine the role of this variant in disease. Therefore, it has been classified as a Variant of Uncertain Significance.

NM_004563.4(PCK2):c.1408C>A (p.His470Asn)

Genes: NRL (neural retina leucine zipper; minus strand), PCK2 (phosphoenolpyruvate carboxykinase 2, mitochondrial; plus strand). Cytogenetic location: 14q12.
Variant type: single nucleotide variant.
Coding change: c.1408C>A on transcript NM_004563.4 (MANE Select); coding-DNA position 1408, C replaced by A.
Protein change: p.His470Asn; replaces histidine 470 with asparagine.
Molecular consequence: missense variant. On other transcripts: intron variant (3).
Genome position (GRCh38, 1-based): chr14:24,103,195, C>A. VCF-style: chr14-24103195-C-A. GRCh37 (hg19) VCF-style: chr14-24572404-C-A.
Other names: c.1006C>A, p.His336Asn (NM_001291556.2, NM_001308054.2); c.-28+11527G>T (NM_001354768.3, NM_001354770.2); c.-254+11527G>T (NM_006177.5); short protein forms H470N, H336N.
Identifiers: ClinVar variation 4706208 (VCV004706208.1).